The following is an entry in ClinVar:

ClinVar aggregate classification (germline): Uncertain significance (1 of 4 stars; one submission).

Allele frequency attached by ClinVar (database versions not stated): gnomAD exomes below 0.00001.
gnomAD v4.1: 4 of 1,611,662 alleles (0.00025%); highest among the groups gnomAD compares: African/African-American, 0.0013%; no homozygotes.

Submission:

Labcorp Genetics (formerly Invitae), Labcorp
Classification: Uncertain significance. Last evaluated: 2024-02-24. Review status: criteria provided, single submitter. Criteria: Invitae Variant Classification Sherloc (09022015). Collection method: clinical testing. Allele origin: germline.
Comment: This sequence change replaces valine, which is neutral and non-polar, with leucine, which is neutral and non-polar, at codon 423 of the ADGRA3 protein (p.Val423Leu). This variant is not present in population databases (gnomAD no frequency). This variant has not been reported in the literature in individuals affected with ADGRA3-related conditions. ClinVar contains an entry for this variant (Variation ID: 1717695). An algorithm developed to predict the effect of missense changes on protein structure and function (PolyPhen-2) suggests that this variant is likely to be tolerated. In summary, the available evidence is currently insufficient to determine the role of this variant in disease. Therefore, it has been classified as a Variant of Uncertain Significance.

NM_145290.4(ADGRA3):c.1267G>C (p.Val423Leu)

Gene: ADGRA3 (adhesion G protein-coupled receptor A3; minus strand). Cytogenetic location: 4p15.2.
Variant type: single nucleotide variant.
Coding change: c.1267G>C on transcript NM_145290.4 (MANE Select); coding-DNA position 1267, G replaced by C.
Protein change: p.Val423Leu; replaces valine 423 with leucine.
Molecular consequence: missense variant.
Genome position (GRCh38, 1-based): chr4:22,436,460, C>G on the plus strand (G>C on the coding strand, the complement: ADGRA3 is on the minus strand). VCF-style: chr4-22436460-C-G. GRCh37 (hg19) VCF-style: chr4-22438083-C-G.
Other names: short protein forms V423L.
Identifiers: ClinVar variation 1717695 (VCV001717695.5), dbSNP rs2474781668, ClinGen allele CA356482066.